The following is an entry in ClinVar:

NM_002968.3(SALL1):c.1411del (p.His471fs)

Gene: SALL1 (spalt like transcription factor 1; minus strand). Cytogenetic location: 16q12.1.
Variant type: Deletion.
Coding change: c.1411del on transcript NM_002968.3 (MANE Select); coding-DNA position 1411, one base deleted (C; older notation c.1411delC).
Protein change: p.His471fs; shifts the reading frame from histidine 471.
Molecular consequence: frameshift variant.
Genome position (GRCh38, 1-based): chr16:51,140,811, G deleted on the plus strand (C on the coding strand, the reverse complement: SALL1 is on the minus strand); the first of 3 consecutive G bases (chr16:51,140,811-51,140,813); deleting any one gives the same sequence. VCF-style (leftmost placement, unchanged base first): chr16-51140810-TG-T. GRCh37 (hg19) VCF-style: chr16-51174721-TG-T.
Other names: c.1120del, p.His374fs (NM_001127892.2); short protein forms H374fs, H471fs.
Identifiers: ClinVar variation 3765527 (VCV003765527.1).

ClinVar aggregate classification (germline): Pathogenic (1 of 4 stars; one submission).

Conditions:
Townes-Brocks syndrome 1 (TBS1). Also called: SALL1-Related Townes-Brocks Syndrome; DEAFNESS, SENSORINEURAL, WITH IMPERFORATE ANUS AND THUMB ANOMALIES; REAR SYNDROME; RENAL-EAR-ANAL-RADIAL SYNDROME. Identifiers: Orphanet 857, MedGen C4551481, MONDO:0054581, OMIM 107480.

Submission:

Centre de Biologie Pathologie Génétique, Centre Hospitalier Universitaire de Lille
Classification: Pathogenic for Townes-Brocks syndrome 1. Last evaluated: 2025-02-27. Review status: criteria provided, single submitter. Criteria: ACMG Guidelines, 2015. Collection method: clinical testing. Allele origin: unknown. Inheritance: Autosomal dominant inheritance. Affected: yes.
Comment: PVS1 + PM2 + PP4